The following is an entry in ClinVar:

ClinVar aggregate classification (germline): Uncertain significance. Review status: criteria provided, multiple submitters, no conflicts (2 of 4 stars). 4 submissions from 4 submitters: Uncertain significance (4). Last evaluated 2025-08-07.

Conditions:
Donnai-Barrow syndrome. Also called: DBS/FOAR SYNDROME; FACIOOCULOACOUSTICORENAL SYNDROME. Identifiers: Orphanet 2143, MedGen C1857277, MONDO:0009104, OMIM 222448.
Inborn genetic diseases. Identifiers: MedGen C0950123, MeSH D030342.

Allele frequency attached by ClinVar (database versions not stated): ExAC 0.00002; gnomAD exomes 0.00002 and 0.00003; TOPMed 0.00009; gnomAD 0.00012; 1000 Genomes Project 30x 0.00016; 1000 Genomes Project 0.00020.
gnomAD v4.1: 53 of 1,613,894 alleles (0.0033%); highest among the groups gnomAD compares: Middle Eastern, 0.033%; no homozygotes.

Submissions (4):

Ambry Genetics
Classification: Uncertain significance for Inborn genetic diseases. Last evaluated: 2025-08-07. Review status: criteria provided, single submitter. Criteria: Ambry Variant Classification Scheme 2023. Collection method: clinical testing. Allele origin: germline.

Labcorp Genetics (formerly Invitae), Labcorp
Classification: Uncertain significance. Last evaluated: 2025-06-12. Review status: criteria provided, single submitter. Criteria: Invitae Variant Classification Sherloc (09022015). Collection method: clinical testing. Allele origin: germline.
Comment: This sequence change replaces arginine, which is basic and polar, with histidine, which is basic and polar, at codon 3290 of the LRP2 protein (p.Arg3290His). This variant is present in population databases (rs550219867, gnomAD 0.02%). This variant has not been reported in the literature in individuals affected with LRP2-related conditions. ClinVar contains an entry for this variant (Variation ID: 1496221). Invitae Evidence Modeling of protein sequence and biophysical properties (such as structural, functional, and spatial information, amino acid conservation, physicochemical variation, residue mobility, and thermodynamic stability) indicates that this missense variant is not expected to disrupt LRP2 protein function with a negative predictive value of 95%. In summary, the available evidence is currently insufficient to determine the role of this variant in disease. Therefore, it has been classified as a Variant of Uncertain Significance.

GeneDx
Classification: Uncertain significance. Last evaluated: 2025-04-06. Review status: criteria provided, single submitter. Criteria: GeneDx Variant Classification Process June 2021. Collection method: clinical testing. Allele origin: germline. Affected: yes.
Comment: In silico analysis indicates that this missense variant does not alter protein structure/function; Has not been previously published as pathogenic or benign to our knowledge

Fulgent Genetics
Classification: Uncertain significance for Donnai-Barrow syndrome. Last evaluated: 2024-06-14. Review status: criteria provided, single submitter. Criteria: ACMG Guidelines, 2015. Collection method: clinical testing. Allele origin: germline.

NM_004525.3(LRP2):c.9869G>A (p.Arg3290His)

Gene: LRP2 (LDL receptor related protein 2; minus strand). Cytogenetic location: 2q31.1.
Variant type: single nucleotide variant.
Coding change: c.9869G>A on transcript NM_004525.3 (MANE Select); coding-DNA position 9869, G replaced by A.
Protein change: p.Arg3290His; replaces arginine 3290 with histidine.
Molecular consequence: missense variant.
Genome position (GRCh38, 1-based): chr2:169,182,296, C>T on the plus strand (G>A on the coding strand, the complement: LRP2 is on the minus strand). VCF-style: chr2-169182296-C-T. GRCh37 (hg19) VCF-style: chr2-170038806-C-T.
Other names: c.9869G>A (NM_004525.2); short protein forms R3290H.
Identifiers: ClinVar variation 1496221 (VCV001496221.8), dbSNP rs550219867, ClinGen allele CA1953495.
Genomic context (GRCh38, chr2:169,182,296, plus strand): 5'-TGCTGGGCCAGCATGCGGCGGTGTCCACCATTGAGGTCAGAGACAAAGAGGCCATCCAGG[C>T]GGGCATCCAACCAGTAGAGCTTTCTAAAATGGAGAGCCAGGAGTTAACCAATACAGTCAC-3'
Protein context (NP_004516.2, residues 3280-3300): VSRKLYWLDA[Arg3290His]LDGLFVSDLN